The following is an entry in ClinVar:

NM_005228.5(EGFR):c.2917C>T (p.Arg973Ter)

Gene: EGFR (epidermal growth factor receptor; plus strand). Cytogenetic location: 7p11.2.
Variant type: single nucleotide variant.
Coding change: c.2917C>T on transcript NM_005228.5 (MANE Select); coding-DNA position 2917, C replaced by T.
Protein change: p.Arg973Ter; replaces arginine 973 with a stop codon.
Molecular consequence: nonsense.
Genome position (GRCh38, 1-based): chr7:55,200,384, C>T. VCF-style: chr7-55200384-C-T. GRCh37 (hg19) VCF-style: chr7-55268077-C-T.
Other names: c.2782C>T, p.Arg928Ter (NM_001346897.2, NM_001346899.2); c.2917C>T, p.Arg973Ter (NM_001346898.2); c.2758C>T, p.Arg920Ter (NM_001346900.2); c.2116C>T, p.Arg706Ter (NM_001346941.2); short protein forms R706*, R920*, R928*, R973*.
Identifiers: ClinVar variation 1016241 (VCV001016241.6), dbSNP rs748491031, ClinGen allele CA367581971.

ClinVar aggregate classification (germline): Pathogenic (1 of 4 stars; one submission).

Conditions:
EGFR-related lung cancer (EGFR). Identifiers: MedGen CN130014.

Allele frequency attached by ClinVar (database versions not stated): TOPMed 0.00001.
gnomAD v4.1: 2 of 1,613,988 alleles (0.00012%); highest among the groups gnomAD compares: African/African-American, 0.0013%; no homozygotes.

Submission:

Labcorp Genetics (formerly Invitae), Labcorp
Classification: Pathogenic for EGFR-related lung cancer. Last evaluated: 2024-07-11. Review status: criteria provided, single submitter. Criteria: Invitae Variant Classification Sherloc (09022015). Collection method: clinical testing. Allele origin: germline.
Comment: This sequence change creates a premature translational stop signal (p.Arg973*) in the EGFR gene. It is expected to result in an absent or disrupted protein product. Loss-of-function variants in EGFR are known to be pathogenic (PMID: 7630400, 28726809, 29899996). This variant is not present in population databases (gnomAD no frequency). This variant has not been reported in the literature in individuals affected with EGFR-related conditions. ClinVar contains an entry for this variant (Variation ID: 1016241). For these reasons, this variant has been classified as Pathogenic.

Literature cited by the submitters: PubMed 7630400; PubMed 28726809; PubMed 29899996.